The following is an entry in ClinVar:

NM_005591.4(MRE11):c.1988A>G (p.Asp663Gly)

Gene: MRE11 (MRE11 double strand break repair nuclease; minus strand). Cytogenetic location: 11q21.
Variant type: single nucleotide variant.
Coding change: c.1988A>G on transcript NM_005591.4 (MANE Select); coding-DNA position 1988, A replaced by G.
Protein change: p.Asp663Gly; replaces aspartic acid 663 with glycine.
Molecular consequence: missense variant.
Genome position (GRCh38, 1-based): chr11:94,435,838, T>C on the plus strand (A>G on the coding strand, the complement: MRE11 is on the minus strand). VCF-style: chr11-94435838-T-C. GRCh37 (hg19) VCF-style: chr11-94169004-T-C.
Other names: c.1985A>G, p.Asp662Gly (NM_001330347.2); c.1904A>G, p.Asp635Gly (NM_005590.4); short protein forms D635G, D662G, D663G.
Identifiers: ClinVar variation 1800008 (VCV001800008.3), dbSNP rs1316289447, ClinGen allele CA382374028.

ClinVar aggregate classification (germline): Uncertain significance (1 of 4 stars; one submission).

Conditions:
Hereditary cancer-predisposing syndrome. Also called: Neoplastic Syndromes, Hereditary; Tumor predisposition; Hereditary Cancer Syndrome; Hereditary neoplastic syndrome. Identifiers: Orphanet 140162, MedGen C0027672, MeSH D009386, MONDO:0015356.

Allele frequency attached by ClinVar (database versions not stated): TOPMed below 0.00001.

Submission:

Ambry Genetics
Classification: Uncertain significance for Hereditary cancer-predisposing syndrome. Last evaluated: 2024-05-16. Review status: criteria provided, single submitter. Criteria: Ambry Variant Classification Scheme 2023. Collection method: clinical testing. Allele origin: germline.
Comment: The p.D663G variant (also known as c.1988A>G), located in coding exon 17 of the MRE11A gene, results from an A to G substitution at nucleotide position 1988. The aspartic acid at codon 663 is replaced by glycine, an amino acid with similar properties. This amino acid position is conserved. In addition, this alteration is predicted to be tolerated by in silico analysis. Since supporting evidence is limited at this time, the clinical significance of this alteration remains unclear.